The following is an entry in ClinVar:

ClinVar aggregate classification (germline): Uncertain significance. Review status: criteria provided, multiple submitters, no conflicts (2 of 4 stars). 2 submissions from 2 submitters: Uncertain significance (2). Last evaluated 2025-07-29.

Conditions:
Inborn genetic diseases. Identifiers: MedGen C0950123, MeSH D030342.

gnomAD v4.1: 2 of 1,613,950 alleles (0.00012%); highest among the groups gnomAD compares: Non-Finnish European, 0.00017%; no homozygotes.

Submissions (2):

Ambry Genetics
Classification: Uncertain significance for Inborn genetic diseases. Last evaluated: 2025-07-29. Review status: criteria provided, single submitter. Criteria: Ambry Variant Classification Scheme 2023. Collection method: clinical testing. Allele origin: germline.
Comment: The p.P388S variant (also known as c.1162C>T), located in coding exon 3 of the MBD4 gene, results from a C to T substitution at nucleotide position 1162. The proline at codon 388 is replaced by serine, an amino acid with similar properties. This amino acid position is poorly conserved in available vertebrate species. In addition, this alteration is predicted to be tolerated by in silico analysis. Based on the available evidence, the clinical significance of this variant remains unclear.

Labcorp Genetics (formerly Invitae), Labcorp
Classification: Uncertain significance. Last evaluated: 2025-06-04. Review status: criteria provided, single submitter. Criteria: Invitae Variant Classification Sherloc (09022015). Collection method: clinical testing. Allele origin: germline.
Comment: This sequence change replaces proline, which is neutral and non-polar, with serine, which is neutral and polar, at codon 388 of the MBD4 protein (p.Pro388Ser). This variant is present in population databases (rs796773165, gnomAD 0.007%). This variant has not been reported in the literature in individuals affected with MBD4-related conditions. ClinVar contains an entry for this variant (Variation ID: 3699979). An algorithm developed to predict the effect of missense changes on protein structure and function (PolyPhen-2) suggests that this variant is likely to be tolerated. In summary, the available evidence is currently insufficient to determine the role of this variant in disease. Therefore, it has been classified as a Variant of Uncertain Significance.

NM_001276270.2(MBD4):c.1162C>T (p.Pro388Ser)

Gene: MBD4 (methyl-CpG binding domain 4, DNA glycosylase; minus strand). Cytogenetic location: 3q21.3.
Variant type: single nucleotide variant.
Coding change: c.1162C>T on transcript NM_001276270.2 (MANE Select); coding-DNA position 1162, C replaced by T.
Protein change: p.Pro388Ser; replaces proline 388 with serine.
Molecular consequence: missense variant. On other transcripts: intron variant (1).
Genome position (GRCh38, 1-based): chr3:129,436,482, G>A on the plus strand (C>T on the coding strand, the complement: MBD4 is on the minus strand). VCF-style: chr3-129436482-G-A. GRCh37 (hg19) VCF-style: chr3-129155325-G-A.
Other names: c.1162C>T, p.Pro388Ser (NM_001276271.2, NM_001276272.2, NM_003925.3); c.247+1326C>T (NM_001276273.2); short protein forms P388S.
Identifiers: ClinVar variation 3699979 (VCV003699979.3).
Genomic context (GRCh38, chr3:129,436,482, plus strand): 5'-GTGCTTGAAAGCACTGGATACCTTGAAATATTTTCTCACCAGTGAAGTCTTTCCTGGTTG[G>A]TGAGCAGTTGTTGTCCATTTCAGAGCCACGTTTTAAAATGTCAGTATGCAAATGTTCTTT-3'
Protein context (NP_001263199.1, residues 378-398): RGSEMDNNCS[Pro388Ser]TRKDFTEDTI